The following is an entry in ClinVar:

ClinVar aggregate classification (germline): Uncertain significance (1 of 4 stars; one submission).

Submission:

Labcorp Genetics (formerly Invitae), Labcorp
Classification: Uncertain significance. Last evaluated: 2025-03-07. Review status: criteria provided, single submitter. Criteria: Invitae Variant Classification Sherloc (09022015). Collection method: clinical testing. Allele origin: germline.
Comment: This sequence change replaces glycine, which is neutral and non-polar, with tryptophan, which is neutral and slightly polar, at codon 73 of the CHCHD2 protein (p.Gly73Trp). This variant is not present in population databases (gnomAD no frequency). This variant has not been reported in the literature in individuals affected with CHCHD2-related conditions. An algorithm developed to predict the effect of missense changes on protein structure and function (PolyPhen-2) suggests that this variant is likely to be disruptive. In summary, the available evidence is currently insufficient to determine the role of this variant in disease. Therefore, it has been classified as a Variant of Uncertain Significance.

NM_016139.4(CHCHD2):c.217G>T (p.Gly73Trp)

Gene: CHCHD2 (coiled-coil-helix-coiled-coil-helix domain containing 2; minus strand). Cytogenetic location: 7p11.2.
Variant type: single nucleotide variant.
Coding change: c.217G>T on transcript NM_016139.4 (MANE Select); coding-DNA position 217, G replaced by T.
Protein change: p.Gly73Trp; replaces glycine 73 with tryptophan.
Molecular consequence: missense variant.
Genome position (GRCh38, 1-based): chr7:56,104,309, C>A on the plus strand (G>T on the coding strand, the complement: CHCHD2 is on the minus strand). VCF-style: chr7-56104309-C-A. GRCh37 (hg19) VCF-style: chr7-56172002-C-A.
Other names: c.217G>T, p.Gly73Trp (NM_001320327.2); short protein forms G73W.
Identifiers: ClinVar variation 4797090 (VCV004797090.1).
Genomic context (GRCh38, chr7:56,104,309, plus strand): 5'-CAGGCTCAGCATTACTTCCTCCACTGAAGCCCCCAGTAATGGCGTGACCCAATGTGTGCC[C>A]CACAGCAGAGCCCACAGCCACGCCAGCTGCAGTGGTTGCCATCTGGGCCATCAGACCTGG-3'
Protein context (NP_057223.1, residues 63-83): AAGVAVGSAV[Gly73Trp]HTLGHAITGG